The following is an entry in ClinVar:

NM_001184.4(ATR):c.2554G>A (p.Glu852Lys)

Gene: ATR (ATR serine/threonine kinase; minus strand). Cytogenetic location: 3q23.
Variant type: single nucleotide variant.
Coding change: c.2554G>A on transcript NM_001184.4 (MANE Select); coding-DNA position 2554, G replaced by A.
Protein change: p.Glu852Lys; replaces glutamic acid 852 with lysine.
Molecular consequence: missense variant.
Genome position (GRCh38, 1-based): chr3:142,553,719, C>T on the plus strand (G>A on the coding strand, the complement: ATR is on the minus strand). VCF-style: chr3-142553719-C-T. GRCh37 (hg19) VCF-style: chr3-142272561-C-T.
Other names: c.2362G>A, p.Glu788Lys (NM_001354579.2); short protein forms E788K, E852K.
Identifiers: ClinVar variation 3461011 (VCV003461011.1).

ClinVar aggregate classification (germline): Uncertain significance (1 of 4 stars; one submission).

Conditions:
Inborn genetic diseases. Identifiers: MedGen C0950123, MeSH D030342.

Submission:

Ambry Genetics
Classification: Uncertain significance for Inborn genetic diseases. Last evaluated: 2024-08-12. Review status: criteria provided, single submitter. Criteria: Ambry Variant Classification Scheme 2023. Collection method: clinical testing. Allele origin: germline.
Comment: The p.E852K variant (also known as c.2554G>A), located in coding exon 12 of the ATR gene, results from a G to A substitution at nucleotide position 2554. The glutamic acid at codon 852 is replaced by lysine, an amino acid with similar properties. This amino acid position is conserved. In addition, this alteration is predicted to be tolerated by in silico analysis. Based on the available evidence, the clinical significance of this variant remains unclear.